The following is an entry in ClinVar:

ClinVar aggregate classification (germline): Uncertain significance. Review status: criteria provided, multiple submitters, no conflicts (2 of 4 stars). 4 submissions from 4 submitters: Uncertain significance (4). Last evaluated 2024-09-19.

Conditions:
Hereditary nonpolyposis colorectal neoplasms. Identifiers: MedGen C0009405, MeSH D003123.
Hereditary cancer-predisposing syndrome. Also called: Neoplastic Syndromes, Hereditary; Tumor predisposition; Hereditary neoplastic syndrome; Hereditary Cancer Syndrome. Identifiers: Orphanet 140162, MedGen C0027672, MeSH D009386, MONDO:0015356.
Lynch syndrome 4 (LYNCH4). Also called: Hereditary non-polyposis colorectal cancer, type 4; Colorectal cancer, hereditary nonpolyposis, type 4. Identifiers: Orphanet 144, MedGen C1838333, MONDO:0013699, OMIM 614337. Disease mechanism: loss of function.

Submissions (4):

Labcorp Genetics (formerly Invitae), Labcorp
Classification: Uncertain significance for Hereditary nonpolyposis colorectal neoplasms. Last evaluated: 2024-09-19. Review status: criteria provided, single submitter. Criteria: Invitae Variant Classification Sherloc (09022015). Collection method: clinical testing. Allele origin: germline.
Comment: This sequence change replaces arginine, which is basic and polar, with glycine, which is neutral and non-polar, at codon 810 of the PMS2 protein (p.Arg810Gly). The frequency data for this variant in the population databases (gnomAD) is considered unreliable due to the presence of homologous sequence, such as pseudogenes or paralogs, in the genome. This variant has not been reported in the literature in individuals affected with PMS2-related conditions. ClinVar contains an entry for this variant (Variation ID: 940972). Invitae Evidence Modeling of protein sequence and biophysical properties (such as structural, functional, and spatial information, amino acid conservation, physicochemical variation, residue mobility, and thermodynamic stability) indicates that this missense variant is expected to disrupt PMS2 protein function with a positive predictive value of 80%. In summary, the available evidence is currently insufficient to determine the role of this variant in disease. Therefore, it has been classified as a Variant of Uncertain Significance.

CeGaT Center for Human Genetics Tuebingen
Classification: Uncertain significance. Last evaluated: 2023-12-01. Review status: criteria provided, single submitter. Criteria: CeGaT Center For Human Genetics Tuebingen Variant Classification Criteria Version 2. Collection method: clinical testing. Allele origin: germline. Affected: yes. Observed: 1 variant allele.
Comment: PMS2: PM2, PP2

Baylor Genetics
Classification: Uncertain significance for Lynch syndrome 4. Last evaluated: 2023-11-14. Review status: criteria provided, single submitter. Criteria: ACMG Guidelines, 2015. Collection method: clinical testing. Allele origin: unknown.

Ambry Genetics
Classification: Uncertain significance for Hereditary cancer-predisposing syndrome. Last evaluated: 2020-03-05. Review status: criteria provided, single submitter. Criteria: Ambry Variant Classification Scheme 2023. Collection method: clinical testing. Allele origin: germline.
Comment: The p.R810G variant (also known as c.2428A>G), located in coding exon 14 of the PMS2 gene, results from an A to G substitution at nucleotide position 2428. The arginine at codon 810 is replaced by glycine, an amino acid with dissimilar properties. This amino acid position is highly conserved in available vertebrate species. In addition, this alteration is predicted to be deleterious by in silico analysis. Since supporting evidence is limited at this time, the clinical significance of this alteration remains unclear.

NM_000535.7(PMS2):c.2428A>G (p.Arg810Gly)

Gene: PMS2 (PMS1 homolog 2, mismatch repair system component; minus strand). Cytogenetic location: 7p22.1.
Variant type: single nucleotide variant.
Coding change: c.2428A>G on transcript NM_000535.7 (MANE Select); coding-DNA position 2428, A replaced by G.
Protein change: p.Arg810Gly; replaces arginine 810 with glycine.
Molecular consequence: missense variant. On other transcripts: non-coding transcript variant (1).
Genome position (GRCh38, 1-based): chr7:5,977,605, T>C on the plus strand (A>G on the coding strand, the complement: PMS2 is on the minus strand). VCF-style: chr7-5977605-T-C. GRCh37 (hg19) VCF-style: chr7-6017236-T-C.
Other names: c.2023A>G, p.Arg675Gly (NM_001322003.2, NM_001322004.2, NM_001322005.2); c.2272A>G, p.Arg758Gly (NM_001322006.2); c.2110A>G, p.Arg704Gly (NM_001322007.2, NM_001322008.2); c.2056A>G, p.Arg686Gly (NM_001322009.2); c.1867A>G, p.Arg623Gly (NM_001322010.2); c.1495A>G, p.Arg499Gly (NM_001322011.2, NM_001322012.2); c.1855A>G, p.Arg619Gly (NM_001322013.2); c.2461A>G, p.Arg821Gly (NM_001322014.2); and 1 more; short protein forms R619G, R704G, R707G, R810G, R499G, R675G, R686G, R821G.
Identifiers: ClinVar variation 940972 (VCV000940972.32), dbSNP rs1781818536, ClinGen allele CA366735589.